The following is an entry in ClinVar:

ClinVar aggregate classification (germline): Likely pathogenic (1 of 4 stars; one submission).

Conditions:
TTN-related disorder. Also called: TTN-related disorders; TTN-related condition; TTN-related disease.

Submission:

PreventionGenetics, part of Exact Sciences
Classification: Likely pathogenic for TTN-related condition. Last evaluated: 2026-08-06. Review status: criteria provided, single submitter. Criteria: ACMG Guidelines, 2015. Collection method: clinical testing. Allele origin: germline.
Comment: The TTN c.54709delC variant is predicted to result in a frameshift and premature protein termination (p.Glu18238Lysfs*12). To our knowledge, this variant has not been reported in the literature or in a large population database (gnomAD), indicating this variant is rare. This variant is located in the A-band region of the protein in which truncating TTN variants have been found more frequently in dilated cardiomyopathy patients than in controls (Herman et al. 2012. PubMed ID: 22335739). RNAseq studies from heart tissue indicate this exon is commonly included in TTN mRNA transcripts (PSI of 100%, Roberts et al. 2015. PubMed ID: 25589632). TTN truncating variants are reported in 1-2% of presumably healthy individuals, but occur more frequently in exons with low PSI values (Roberts et al. 2015. PMID: 25589632; Herman et al. 2012. PMID: 22335739). This variant is interpreted as likely pathogenic for both autosomal dominant TTN-related cardiac disorders and autosomal recessive congenital titinopathies.​

NM_001267550.2(TTN):c.54709del (p.Glu18238fs)

Genes: TTN (titin; minus strand), TTN-AS1 (TTN antisense RNA 1; plus strand). Cytogenetic location: 2q31.2.
Variant type: Deletion.
Coding change: c.54709del on transcript NM_001267550.2 (MANE Select); coding-DNA position 54709, one base deleted (C; older notation c.54709delC).
Protein change: p.Glu18238fs; shifts the reading frame from glutamic acid 18238.
Molecular consequence: frameshift variant.
Genome position (GRCh38, 1-based): chr2:178,603,978, G deleted on the plus strand (C on the coding strand, the reverse complement: TTN is on the minus strand). VCF-style (leftmost placement, unchanged base first): chr2-178603977-AG-A. GRCh37 (hg19) VCF-style: chr2-179468704-AG-A.
Other names: c.49786del, p.Glu16597fs (NM_001256850.1); c.27514del, p.Glu9173fs (NM_003319.4); c.47005del, p.Glu15670fs (NM_133378.4); c.27889del, p.Glu9298fs (NM_133432.3); c.28090del, p.Glu9365fs (NM_133437.4); c.54709delC (NM_001267550.2); short protein forms E16597fs, E18238fs, E15670fs, E9173fs, E9298fs, E9365fs.
Identifiers: ClinVar variation 4991094 (VCV004991094.1).